The following is an entry in ClinVar:

ClinVar aggregate classification (germline): Uncertain significance (1 of 4 stars; one submission).

gnomAD v4.1: 21 of 1,614,112 alleles (0.0013%); highest among the groups gnomAD compares: Non-Finnish European, 0.0015%; no homozygotes.

Submission:

Women's Health and Genetics/Laboratory Corporation of America, LabCorp
Classification: Uncertain significance. Last evaluated: 2026-06-09. Review status: criteria provided, single submitter. Criteria: LabCorp Variant Classification Summary - May 2015. Collection method: clinical testing. Allele origin: germline.
Comment: Variant summary: DYNC1H1 c.6632A>G (p.Tyr2211Cys) results in a non-conservative amino acid change in the encoded protein sequence. Algorithms developed to predict the effect of missense changes on protein structure and function are either unavailable or do not agree on the potential impact of this missense change. The variant allele was found at a frequency of 4e-06 in 250760 control chromosomes. The available data on variant occurrences in the general population are insufficient to allow any conclusion about variant significance. To our knowledge, no occurrence of c.6632A>G in individuals affected with DYNC1H1-related conditions and no experimental evidence demonstrating its impact on protein function have been reported. No submitters have cited clinical-significance assessments for this variant to ClinVar. Based on the evidence outlined above, the variant was classified as uncertain significance.

NM_001376.5(DYNC1H1):c.6632A>G (p.Tyr2211Cys)

Gene: DYNC1H1 (dynein cytoplasmic 1 heavy chain 1; plus strand). Cytogenetic location: 14q32.31.
Variant type: single nucleotide variant.
Coding change: c.6632A>G on transcript NM_001376.5 (MANE Select); coding-DNA position 6632, A replaced by G.
Protein change: p.Tyr2211Cys; replaces tyrosine 2211 with cysteine.
Molecular consequence: missense variant.
Genome position (GRCh38, 1-based): chr14:102,011,888, A>G. VCF-style: chr14-102011888-A-G. GRCh37 (hg19) VCF-style: chr14-102478225-A-G.
Other names: short protein forms Y2211C.
Identifiers: ClinVar variation 4887411 (VCV004887411.1).
Genomic context (GRCh38, chr14:102,011,888, plus strand): 5'-ATTCCTCCTCTGGGATGGTCACTGTGCTGGTCTGTTGGGCCCTGCAGGTTCTCCAGCTCT[A>G]TCAGATCACCCAGATCAATCATGGCCTGATGATGGTGGGGCCCTCGGGAAGTGGGAAGAG-3'
Protein context (NP_001367.2, residues 2201-2221): GMWVEKVLQL[Tyr2211Cys]QITQINHGLM